The following is an entry in ClinVar:

NM_024741.3(ZNF408):c.1418G>T (p.Cys473Phe)

Gene: ZNF408 (zinc finger protein 408; plus strand). Cytogenetic location: 11p11.2.
Variant type: single nucleotide variant.
Coding change: c.1418G>T on transcript NM_024741.3 (MANE Select); coding-DNA position 1418, G replaced by T.
Protein change: p.Cys473Phe; replaces cysteine 473 with phenylalanine.
Molecular consequence: missense variant.
Genome position (GRCh38, 1-based): chr11:46,705,118, G>T. VCF-style: chr11-46705118-G-T. GRCh37 (hg19) VCF-style: chr11-46726668-G-T.
Other names: c.1394G>T, p.Cys465Phe (NM_001184751.2); short protein forms C465F, C473F.
Identifiers: ClinVar variation 2088904 (VCV002088904.4), dbSNP rs759956404, ClinGen allele CA221633813.

ClinVar aggregate classification (germline): Uncertain significance (1 of 4 stars; one submission).

gnomAD v4.1: 4 of 1,611,786 alleles (0.00025%); highest among the groups gnomAD compares: Non-Finnish European, 0.00034%; no homozygotes.

Submission:

Labcorp Genetics (formerly Invitae), Labcorp
Classification: Uncertain significance. Last evaluated: 2024-05-23. Review status: criteria provided, single submitter. Criteria: Invitae Variant Classification Sherloc (09022015). Collection method: clinical testing. Allele origin: germline.
Comment: This sequence change replaces cysteine, which is neutral and slightly polar, with phenylalanine, which is neutral and non-polar, at codon 473 of the ZNF408 protein (p.Cys473Phe). This variant is not present in population databases (gnomAD no frequency). This missense change has been observed in individual(s) with retinitis pigmentosa (Invitae). In at least one individual the data is consistent with being in trans (on the opposite chromosome) from a pathogenic variant. ClinVar contains an entry for this variant (Variation ID: 2088904). An algorithm developed to predict the effect of missense changes on protein structure and function (PolyPhen-2) suggests that this variant is likely to be disruptive. In summary, the available evidence is currently insufficient to determine the role of this variant in disease. Therefore, it has been classified as a Variant of Uncertain Significance.